The following is an entry in ClinVar:

ClinVar aggregate classification (germline): Likely pathogenic (1 of 4 stars; one submission).

Conditions:
Familial hypokalemia-hypomagnesemia (GTLMNS). Also called: POTASSIUM AND MAGNESIUM DEPLETION; HYPOMAGNESEMIA-HYPOKALEMIA, PRIMARY RENOTUBULAR, WITH HYPOCALCIURIA; gitelman syndrome. Identifiers: Orphanet 358, MedGen C0268450, MONDO:0009904, OMIM 263800.

Submission:

Natera, Inc.
Classification: Likely pathogenic for Gitelman syndrome. Last evaluated: 2024-04-15. Review status: criteria provided, single submitter. Criteria: Natera Variant Classification Schema (03/2026). Collection method: clinical testing. Allele origin: germline.
Comment: The c.26delC variant in SLC12A3 is a frameshift variant predicted to shift the reading frame beginning at codon 9 and leads to a stop codon 18 codons downstream. This variant is expected to result in nonsense mediated decay, truncation, or a dysfunctional protein product. This variant is rare in the general population with a frequency below the threshold expected for the associated phenotype(s). Given the available evidence, this variant is classified as Likely Pathogenic.

NM_001126108.2(SLC12A3):c.26del (p.Thr9fs)

Gene: SLC12A3 (solute carrier family 12 member 3; plus strand). Cytogenetic location: 16q13.
Variant type: Deletion.
Coding change: c.26del on transcript NM_001126108.2 (MANE Select); coding-DNA position 26, one base deleted (C; older notation c.26delC).
Protein change: p.Thr9fs; shifts the reading frame from threonine 9.
Molecular consequence: frameshift variant.
Genome position (GRCh38, 1-based): chr16:56,865,261, C deleted. VCF-style (leftmost placement, unchanged base first): chr16-56865260-AC-A. GRCh37 (hg19) VCF-style: chr16-56899172-AC-A.
Other names: c.26del, p.Thr9fs (NM_000339.3, NM_001126107.2, NM_001410896.1); short protein forms T9fs.
Identifiers: ClinVar variation 4818208 (VCV004818208.1).